The following is an entry in ClinVar:

ClinVar aggregate classification (germline): Uncertain significance (1 of 4 stars; one submission).

Conditions:
PLXNA3-related disorder. Also called: PLXNA3-related condition.

gnomAD v4.1: 4 of 1,205,981 alleles (0.00033%); highest among the groups gnomAD compares: Non-Finnish European, 0.00045%; no homozygotes.

Submission:

PreventionGenetics, part of Exact Sciences
Classification: Uncertain significance for PLXNA3-related condition. Last evaluated: 2026-06-27. Review status: criteria provided, single submitter. Criteria: ACMG Guidelines, 2015. Collection method: clinical testing. Allele origin: germline.
Comment: The PLXNA3 c.2494C>A variant is predicted to result in the amino acid substitution p.Gln832Lys. This variant has been reported, in the hemizygous state in a patient with intellectual disability and autism (Steele et al. 2022. PubMed ID: 34740135). This variant is reported in 0.0013% of alleles in individuals of European (Non-Finnish) descent in gnomAD. At this time, the clinical significance of this variant is uncertain due to the absence of conclusive functional and genetic evidence.

NM_017514.5(PLXNA3):c.2494C>A (p.Gln832Lys)

Gene: PLXNA3 (plexin A3; plus strand). Cytogenetic location: Xq28.
Variant type: single nucleotide variant.
Coding change: c.2494C>A on transcript NM_017514.5 (MANE Select); coding-DNA position 2494, C replaced by A.
Protein change: p.Gln832Lys; replaces glutamine 832 with lysine.
Molecular consequence: missense variant.
Genome position (GRCh38, 1-based): chrX:154,465,809, C>A. VCF-style: chrX-154465809-C-A. GRCh37 (hg19) VCF-style: chrX-153694152-C-A.
Other names: short protein forms Q832K.
Identifiers: ClinVar variation 4988385 (VCV004988385.1).